The following is an entry in ClinVar:

NM_002439.5(MSH3):c.2185C>G (p.His729Asp)

Gene: MSH3 (mutS homolog 3; plus strand). Cytogenetic location: 5q14.1.
Variant type: single nucleotide variant.
Coding change: c.2185C>G on transcript NM_002439.5 (MANE Select); coding-DNA position 2185, C replaced by G.
Protein change: p.His729Asp; replaces histidine 729 with aspartic acid.
Molecular consequence: missense variant.
Genome position (GRCh38, 1-based): chr5:80,768,935, C>G. VCF-style: chr5-80768935-C-G. GRCh37 (hg19) VCF-style: chr5-80064754-C-G.
Other names: short protein forms H729D.
Identifiers: ClinVar variation 647568 (VCV000647568.15), dbSNP rs145353158, ClinGen allele CA3328158.

ClinVar aggregate classification (germline): Uncertain significance. Review status: criteria provided, multiple submitters, no conflicts (2 of 4 stars). 3 submissions from 3 submitters: Uncertain significance (3). Last evaluated 2025-09-28.

Conditions:
Familial adenomatous polyposis 4 (FAP4). Also called: MSH3-related attenuated familial adenomatous polyposis. Identifiers: Orphanet 480536, MedGen C4310719, MONDO:0044300, OMIM 617100.
Endometrial carcinoma. Also called: Endometrial carcinoma, somatic. Identifiers: MedGen C0476089, MONDO:0002447, OMIM 608089, HP:0012114.
Hereditary cancer-predisposing syndrome. Also called: Hereditary Cancer Syndrome; Tumor predisposition; Hereditary neoplastic syndrome; Neoplastic Syndromes, Hereditary. Identifiers: Orphanet 140162, MedGen C0027672, MeSH D009386, MONDO:0015356.

Allele frequency attached by ClinVar (database versions not stated): gnomAD 0.00001; ExAC 0.00002; gnomAD exomes 0.00003 and 0.00004; TOPMed 0.00003; ESP Exome Variant Server 0.00008.
gnomAD v4.1: 54 of 1,612,616 alleles (0.0033%); highest among the groups gnomAD compares: Non-Finnish European, 0.0044%; no homozygotes.

Submissions (3):

Labcorp Genetics (formerly Invitae), Labcorp
Classification: Uncertain significance. Last evaluated: 2025-09-28. Review status: criteria provided, single submitter. Criteria: Invitae Variant Classification Sherloc (09022015). Collection method: clinical testing. Allele origin: germline.
Comment: This sequence change replaces histidine, which is basic and polar, with aspartic acid, which is acidic and polar, at codon 729 of the MSH3 protein (p.His729Asp). This variant is present in population databases (rs145353158, gnomAD 0.005%). This variant has not been reported in the literature in individuals affected with MSH3-related conditions. ClinVar contains an entry for this variant (Variation ID: 647568). An algorithm developed to predict the effect of missense changes on protein structure and function (PolyPhen-2) suggests that this variant is likely to be disruptive. In summary, the available evidence is currently insufficient to determine the role of this variant in disease. Therefore, it has been classified as a Variant of Uncertain Significance.

Ambry Genetics
Classification: Uncertain significance for Hereditary cancer-predisposing syndrome. Last evaluated: 2025-01-09. Review status: criteria provided, single submitter. Criteria: Ambry Variant Classification Scheme 2023. Collection method: clinical testing. Allele origin: germline.
Comment: The p.H729D variant (also known as c.2185C>G), located in coding exon 15 of the MSH3 gene, results from a C to G substitution at nucleotide position 2185. The histidine at codon 729 is replaced by aspartic acid, an amino acid with similar properties. This amino acid position is highly conserved in available vertebrate species. In addition, the in silico prediction for this alteration is inconclusive. Based on the available evidence, the clinical significance of this variant remains unclear.

Baylor Genetics
Classification: Uncertain significance for Endometrial carcinoma. Last evaluated: 2023-12-26. Review status: criteria provided, single submitter. Criteria: ACMG Guidelines, 2015. Collection method: clinical testing. Allele origin: unknown.